The following is an entry in ClinVar:

NM_007327.4(GRIN1):c.2088G>C (p.Gln696His)

Gene: GRIN1 (glutamate ionotropic receptor NMDA type subunit 1; plus strand). Cytogenetic location: 9q34.3.
Variant type: single nucleotide variant.
Coding change: c.2088G>C on transcript NM_007327.4 (MANE Select); coding-DNA position 2088, G replaced by C.
Protein change: p.Gln696His; replaces glutamine 696 with histidine.
Molecular consequence: missense variant.
Genome position (GRCh38, 1-based): chr9:137,162,920, G>C. VCF-style: chr9-137162920-G-C. GRCh37 (hg19) VCF-style: chr9-140057372-G-C.
Other names: c.2088G>C, p.Gln696His (NM_021569.4, NM_000832.7); c.2151G>C, p.Gln717His (NM_001185090.2, NM_001185091.2); short protein forms Q717H, Q696H.
Identifiers: ClinVar variation 3654712 (VCV003654712.2).

ClinVar aggregate classification (germline): Uncertain significance (1 of 4 stars; one submission).

Conditions:
Neurodevelopmental disorder with or without hyperkinetic movements and seizures, autosomal dominant. Also called: Intellectual disability, autosomal dominant 8. Identifiers: MedGen C3280282, MONDO:0013655, OMIM 614254.

Submission:

Labcorp Genetics (formerly Invitae), Labcorp
Classification: Uncertain significance for Neurodevelopmental disorder with or without hyperkinetic movements and seizures, autosomal dominant. Last evaluated: 2024-05-26. Review status: criteria provided, single submitter. Criteria: Invitae Variant Classification Sherloc (09022015). Collection method: clinical testing. Allele origin: germline.
Comment: This sequence change replaces glutamine, which is neutral and polar, with histidine, which is basic and polar, at codon 696 of the GRIN1 protein (p.Gln696His). This variant is not present in population databases (gnomAD no frequency). This variant has not been reported in the literature in individuals affected with GRIN1-related conditions. Advanced modeling of protein sequence and biophysical properties (such as structural, functional, and spatial information, amino acid conservation, physicochemical variation, residue mobility, and thermodynamic stability) has been performed at Invitae for this missense variant, however the output from this modeling did not meet the statistical confidence thresholds required to predict the impact of this variant on GRIN1 protein function. In summary, the available evidence is currently insufficient to determine the role of this variant in disease. Therefore, it has been classified as a Variant of Uncertain Significance.